The following is an entry in ClinVar:

ClinVar aggregate classification (germline): Conflicting classifications of pathogenicity. Review status: criteria provided, conflicting classifications (1 of 4 stars). 2 submissions from 2 submitters: Uncertain significance (1); Likely benign (1). Last evaluated 2025-07-30.

gnomAD v4.1: 136 of 1,601,780 alleles (0.0085%); highest among the groups gnomAD compares: Non-Finnish European, 0.01%; no homozygotes.

Submissions (2):

Labcorp Genetics (formerly Invitae), Labcorp
Classification: Uncertain significance. Last evaluated: 2025-07-30. Review status: criteria provided, single submitter. Criteria: Invitae Variant Classification Sherloc (09022015). Collection method: clinical testing. Allele origin: germline.
Comment: This sequence change replaces alanine, which is neutral and non-polar, with threonine, which is neutral and polar, at codon 642 of the IL17RD protein (p.Ala642Thr). This variant is present in population databases (rs61740622, gnomAD 0.01%). This variant has not been reported in the literature in individuals affected with IL17RD-related conditions. ClinVar contains an entry for this variant (Variation ID: 1441366). Invitae Evidence Modeling of protein sequence and biophysical properties (such as structural, functional, and spatial information, amino acid conservation, physicochemical variation, residue mobility, and thermodynamic stability) indicates that this missense variant is not expected to disrupt IL17RD protein function with a negative predictive value of 80%. In summary, the available evidence is currently insufficient to determine the role of this variant in disease. Therefore, it has been classified as a Variant of Uncertain Significance.

CeGaT Center for Human Genetics Tuebingen
Classification: Likely benign. Last evaluated: 2025-04-01. Review status: criteria provided, single submitter. Criteria: CeGaT Center For Human Genetics Tuebingen Variant Classification Criteria Version 2. Collection method: clinical testing. Allele origin: germline. Affected: yes. Observed: 1 variant allele.
Comment: IL17RD: BP4

NM_017563.5(IL17RD):c.1924G>A (p.Ala642Thr)

Genes: IL17RD (interleukin 17 receptor D; minus strand), LOC126806689 (BRD4-independent group 4 enhancer GRCh37_chr3:57131244-57132443; plus strand). Cytogenetic location: 3p14.3.
Variant type: single nucleotide variant.
Coding change: c.1924G>A on transcript NM_017563.5 (MANE Select); coding-DNA position 1924, G replaced by A.
Protein change: p.Ala642Thr; replaces alanine 642 with threonine.
Molecular consequence: missense variant.
Genome position (GRCh38, 1-based): chr3:57,097,779, C>T on the plus strand (G>A on the coding strand, the complement: IL17RD is on the minus strand). VCF-style: chr3-57097779-C-T. GRCh37 (hg19) VCF-style: chr3-57131807-C-T.
Other names: c.1492G>A, p.Ala498Thr (NM_001318864.2); short protein forms A498T, A642T.
Identifiers: ClinVar variation 1441366 (VCV001441366.13), dbSNP rs61740622, ClinGen allele CA2462623.